The following is an entry in ClinVar:

ClinVar aggregate classification (germline): Pathogenic/Likely pathogenic. Review status: criteria provided, multiple submitters, no conflicts (2 of 4 stars). 10 submissions from 10 submitters: Pathogenic (7); Likely pathogenic (2). 1 of the submissions does not count toward it. Last evaluated 2025-03-19.

Conditions:
Hereditary cancer. Identifiers: MedGen C1333600.
Fanconi anemia (FA). Also called: Fanconi's anemia. Identifiers: Orphanet 84, MedGen C0015625, MeSH D005199, MONDO:0019391.
Hereditary cancer-predisposing syndrome. Also called: Tumor predisposition; Hereditary Cancer Syndrome; Hereditary neoplastic syndrome; Neoplastic Syndromes, Hereditary. Identifiers: Orphanet 140162, MedGen C0027672, MeSH D009386, MONDO:0015356.
Hereditary breast ovarian cancer syndrome. Also called: BRCA1- and BRCA2-Associated Hereditary Breast and Ovarian Cancer; Hereditary breast and ovarian cancer syndrome; Hereditary breast and ovarian cancer syndrome (HBOC); Breast and ovarian cancer; Hereditary breast and ovarian cancer; Hereditary breast and/or ovarian cancer syndrome. Identifiers: Orphanet 145, MedGen C0677776, MeSH D061325, MONDO:0003582. Disease mechanism: loss of function.
Familial cancer of breast. Also called: hereditary breast carcinoma; BREAST CANCER, FAMILIAL; Hereditary breast cancer. Identifiers: Orphanet 227535, MedGen C0346153, MONDO:0016419, OMIM 114480. Disease mechanism: loss of function.

Allele frequency attached by ClinVar (database versions not stated): gnomAD exomes below 0.00001.
gnomAD v4.1: 2 of 1,614,196 alleles (0.00012%); highest among the groups gnomAD compares: Non-Finnish European, 0.00017%; no homozygotes.

Submissions (10):

Labcorp Genetics (formerly Invitae), Labcorp
Classification: Pathogenic for Familial cancer of breast. Last evaluated: 2025-03-19. Review status: criteria provided, single submitter. Criteria: Invitae Variant Classification Sherloc (09022015). Collection method: clinical testing. Allele origin: germline.
Comment: This sequence change creates a premature translational stop signal (p.Gln790*) in the PALB2 gene. It is expected to result in an absent or disrupted protein product. Loss-of-function variants in PALB2 are known to be pathogenic (PMID: 17200668, 17200671, 17200672, 24136930, 25099575). This variant is not present in population databases (gnomAD no frequency). This variant has not been reported in the literature in individuals affected with PALB2-related conditions. ClinVar contains an entry for this variant (Variation ID: 265329). RNA analysis performed to evaluate the impact of this premature translational stop signal on mRNA splicing indicates it does not significantly alter splicing (internal data). For these reasons, this variant has been classified as Pathogenic.

Myriad Genetics, Inc.
Classification: Pathogenic for Familial cancer of breast. Last evaluated: 2023-09-12. Review status: criteria provided, single submitter. Criteria: Myriad Autosomal Dominant, Autosomal Recessive and X-Linked Classification Criteria (2023). Collection method: clinical testing. Allele origin: unknown.
Comment: This variant is considered pathogenic. This variant creates a termination codon and is predicted to result in premature protein truncation.

Genetics and Molecular Pathology, SA Pathology
Classification: Pathogenic for Familial cancer of breast. Last evaluated: 2023-07-12. Review status: criteria provided, single submitter. Criteria: ACMG Guidelines, 2015. Collection method: clinical testing. Allele origin: germline. Affected: yes.

Ambry Genetics
Classification: Pathogenic for Hereditary cancer-predisposing syndrome. Last evaluated: 2023-06-12. Review status: criteria provided, single submitter. Criteria: Ambry Variant Classification Scheme 2023. Collection method: clinical testing. Allele origin: germline.
Comment: The p.Q790* pathogenic mutation (also known as c.2368C>T), located in coding exon 5 of the PALB2 gene, results from a C to T substitution at nucleotide position 2368. This changes the amino acid from a glutamine to a stop codon within coding exon 5. This alteration is expected to result in loss of function by premature protein truncation or nonsense-mediated mRNA decay. As such, this alteration is interpreted as a disease-causing mutation.

Clinical Genetics Laboratory, Skane University Hospital Lund
Classification: Pathogenic. Last evaluated: 2022-05-27. Review status: criteria provided, single submitter. Criteria: ACMG Guidelines, 2015. Collection method: clinical testing. Allele origin: germline. Affected: yes.

Baylor Genetics
Classification: Pathogenic for Familial cancer of breast. Last evaluated: 2021-12-08. Review status: criteria provided, single submitter. Criteria: ACMG Guidelines, 2015. Collection method: clinical testing. Allele origin: unknown.

Clinical Genetics and Genomics, Karolinska University Hospital
Classification: Pathogenic. Last evaluated: 2019-09-19. Review status: criteria provided, single submitter. Criteria: ACMG Guidelines, 2015. Collection method: clinical testing. Allele origin: germline. Affected: yes. Observed: 7 variant alleles.

GeneDx
Classification: Likely pathogenic. Last evaluated: 2017-11-20. Review status: criteria provided, single submitter. Criteria: GeneDx Variant Classification (06012015). Collection method: clinical testing. Allele origin: germline. Affected: yes.
Comment: This variant is denoted PALB2 c.2368C>T at the cDNA level and p.Gln790Ter (Q790X) at the protein level. The substitution creates a nonsense variant, which changes a Glutamine to a premature stop codon (CAA>TAA), and is predicted to cause loss of normal protein function through either protein truncation or nonsense-mediated mRNA decay. Although this variant has not, to our knowledge, been reported in the literature, it is considered likely pathogenic.

Quest Diagnostics Nichols Institute San Juan Capistrano
Classification: Likely pathogenic. Last evaluated: 2017-05-06. Review status: criteria provided, single submitter. Criteria: Quest Diagnostics criteria. Collection method: clinical testing. Allele origin: germline.

BRCAlab, Lund University
Classification: Pathogenic for Hereditary breast ovarian cancer syndrome. Last evaluated: 2022-08-26. Review status: no assertion criteria provided. Collection method: clinical testing. Allele origin: germline. Affected: yes. Not counted in ClinVar's aggregate classification.

Literature cited by the submitters: PubMed 17200668 (cited by Labcorp Genetics (formerly Invitae), Labcorp); PubMed 17200671 (cited by Labcorp Genetics (formerly Invitae), Labcorp); PubMed 17200672 (cited by Labcorp Genetics (formerly Invitae), Labcorp); PubMed 24136930 (cited by Labcorp Genetics (formerly Invitae), Labcorp); PubMed 25099575 (cited by Labcorp Genetics (formerly Invitae), Labcorp).

NM_024675.4(PALB2):c.2368C>T (p.Gln790Ter)

Gene: PALB2 (partner and localizer of BRCA2; minus strand). Cytogenetic location: 16p12.2.
Variant type: single nucleotide variant.
Coding change: c.2368C>T on transcript NM_024675.4 (MANE Select); coding-DNA position 2368, C replaced by T.
Protein change: p.Gln790Ter; replaces glutamine 790 with a stop codon.
Molecular consequence: nonsense.
Genome position (GRCh38, 1-based): chr16:23,629,786, G>A on the plus strand (C>T on the coding strand, the complement: PALB2 is on the minus strand). VCF-style: chr16-23629786-G-A. GRCh37 (hg19) VCF-style: chr16-23641107-G-A.
Other names: short protein forms Q790*.
Identifiers: ClinVar variation 265329 (VCV000265329.41), dbSNP rs886039480, ClinGen allele CA10588608.